The following is an entry in ClinVar:

NM_014875.3(KIF14):c.4884C>T (p.Leu1628=)

Gene: KIF14 (kinesin family member 14; minus strand). Cytogenetic location: 1q32.1.
Variant type: single nucleotide variant.
Coding change: c.4884C>T on transcript NM_014875.3 (MANE Select); coding-DNA position 4884, C replaced by T.
Protein change: p.Leu1628=; no amino-acid change (leucine 1628 retained).
Molecular consequence: synonymous variant.
Genome position (GRCh38, 1-based): chr1:200,553,451, G>A on the plus strand (C>T on the coding strand, the complement: KIF14 is on the minus strand). VCF-style: chr1-200553451-G-A. GRCh37 (hg19) VCF-style: chr1-200522579-G-A.
Other names: c.3411C>T, p.Leu1137= (NM_001305792.1).
Identifiers: ClinVar variation 3039913 (VCV003039913.3), dbSNP rs369355818, ClinGen allele CA1316889.

ClinVar aggregate classification (germline): Likely benign. Review status: criteria provided, single submitter (1 of 4 stars). 2 submissions from 2 submitters: Likely benign (1). 1 of the submissions does not count toward it. Last evaluated 2025-12-31.

Conditions:
KIF14-related disorder. Also called: KIF14-related condition.

Allele frequency attached by ClinVar (database versions not stated): gnomAD exomes 0.00003; ExAC 0.00008; ESP Exome Variant Server 0.00015; 1000 Genomes Project 30x 0.00016; 1000 Genomes Project 0.00020; gnomAD 0.00038; TOPMed 0.00039.
gnomAD v4.1: 104 of 1,613,950 alleles (0.0064%); highest among the groups gnomAD compares: African/African-American, 0.13%; no homozygotes.

Submissions (2):

Labcorp Genetics (formerly Invitae), Labcorp
Classification: Likely benign. Last evaluated: 2025-12-31. Review status: criteria provided, single submitter. Criteria: Invitae Variant Classification Sherloc (09022015). Collection method: clinical testing. Allele origin: germline.

PreventionGenetics, part of Exact Sciences
Classification: Likely benign for KIF14-related condition. Last evaluated: 2019-09-17. Review status: no assertion criteria provided. Collection method: clinical testing. Allele origin: germline. Not counted in ClinVar's aggregate classification.
Comment: This variant is classified as likely benign based on ACMG/AMP sequence variant interpretation guidelines (Richards et al. 2015 PMID: 25741868, with internal and published modifications).